The following is an entry in ClinVar:

ClinVar aggregate classification (germline): Uncertain significance (1 of 4 stars; one submission).

Submission:

GeneDx
Classification: Uncertain significance. Last evaluated: 2026-03-23. Review status: criteria provided, single submitter. Criteria: GeneDx Variant Classification Process June 2021. Collection method: clinical testing. Allele origin: germline.
Comment: Not observed at significant frequency in large population cohorts (gnomAD); In silico analysis supports that this missense variant has a deleterious effect on protein structure/function; Has not been previously published as pathogenic or benign to our knowledge

NM_001205293.3(CACNA1E):c.4412T>A (p.Val1471Glu)

Gene: CACNA1E (calcium voltage-gated channel subunit alpha1 E; plus strand). Cytogenetic location: 1q25.3.
Variant type: single nucleotide variant.
Coding change: c.4412T>A on transcript NM_001205293.3 (MANE Select); coding-DNA position 4412, T replaced by A.
Protein change: p.Val1471Glu; replaces valine 1471 with glutamic acid.
Molecular consequence: missense variant.
Genome position (GRCh38, 1-based): chr1:181,758,029, T>A. VCF-style: chr1-181758029-T-A. GRCh37 (hg19) VCF-style: chr1-181727165-T-A.
Other names: c.4412T>A, p.Val1471Glu (NM_000721.4); c.4355T>A, p.Val1452Glu (NM_001205294.2); short protein forms V1452E, V1471E.
Identifiers: ClinVar variation 5017089 (VCV005017089.1).
Genomic context (GRCh38, chr1:181,758,029, plus strand): 5'-TCAGCGCCAAACCTCTCACCCGCTACATGCCGCAGAACAGACACACCTTCCAGTACCGCG[T>A]GTGGCACTTTGTGGTGTCTCCGTCCTTTGAGTACACCATTATGGCCATGATCGCCTTGAA-3'
Protein context (NP_001192222.1, residues 1461-1481): PQNRHTFQYR[Val1471Glu]WHFVVSPSFE